The following is an entry in ClinVar:

ClinVar aggregate classification (germline): Uncertain significance (1 of 4 stars; one submission).

gnomAD v4.1: 51 of 1,573,394 alleles (0.0032%); highest among the groups gnomAD compares: Admixed American, 0.02%; no homozygotes.

Submission:

CeGaT Center for Human Genetics Tuebingen
Classification: Uncertain significance. Last evaluated: 2026-09-01. Review status: criteria provided, single submitter. Criteria: CeGaT Center For Human Genetics Tuebingen Variant Classification Criteria Version 2. Collection method: clinical testing. Allele origin: germline. Affected: yes. Observed: 1 variant allele.
Comment: NRXN3: PP2, BP4

NM_001330195.2(NRXN3):c.352C>T (p.Arg118Cys)

Gene: NRXN3 (neurexin 3; plus strand). Cytogenetic location: 14q24.3.
Variant type: single nucleotide variant.
Coding change: c.352C>T on transcript NM_001330195.2 (MANE Select); coding-DNA position 352, C replaced by T.
Protein change: p.Arg118Cys; replaces arginine 118 with cysteine.
Molecular consequence: missense variant. On other transcripts: non-coding transcript variant (4).
Genome position (GRCh38, 1-based): chr14:78,243,445, C>T. VCF-style: chr14-78243445-C-T. GRCh37 (hg19) VCF-style: chr14-78709788-C-T.
Other names: c.352C>T, p.Arg118Cys (NM_001366425.1, NM_001366426.1); short protein forms R118C.
Identifiers: ClinVar variation 5041107 (VCV005041107.1).